The following is an entry in ClinVar:

NM_000257.4(MYH7):c.2719C>T (p.Gln907Ter)

Gene: MYH7 (myosin heavy chain 7; minus strand). Cytogenetic location: 14q11.2.
Variant type: single nucleotide variant.
Coding change: c.2719C>T on transcript NM_000257.4 (MANE Select); coding-DNA position 2719, C replaced by T.
Protein change: p.Gln907Ter; replaces glutamine 907 with a stop codon.
Molecular consequence: nonsense.
Genome position (GRCh38, 1-based): chr14:23,424,110, G>A on the plus strand (C>T on the coding strand, the complement: MYH7 is on the minus strand). VCF-style: chr14-23424110-G-A. GRCh37 (hg19) VCF-style: chr14-23893319-G-A.
Other names: c.2719C>T, p.Gln907Ter (NM_001407004.1); short protein forms Q907*.
Identifiers: ClinVar variation 1795145 (VCV001795145.3), dbSNP rs397516167, ClinGen allele CA389047281.

ClinVar aggregate classification (germline): Uncertain significance. Review status: criteria provided, multiple submitters, no conflicts (2 of 4 stars). 2 submissions from 2 submitters: Uncertain significance (2). Last evaluated 2025-12-21.

Conditions:
Hypertrophic cardiomyopathy. Also called: HYPERTROPHIC MYOCARDIOPATHY. Identifiers: Orphanet 217569, MedGen C0007194, MeSH D002312, MONDO:0005045, HP:0001639.
Cardiovascular phenotype. Identifiers: MedGen CN230736.

Submissions (2):

Labcorp Genetics (formerly Invitae), Labcorp
Classification: Uncertain significance for Hypertrophic cardiomyopathy. Last evaluated: 2025-12-21. Review status: criteria provided, single submitter. Criteria: Invitae Variant Classification Sherloc (09022015). Collection method: clinical testing. Allele origin: germline.
Comment: This sequence change creates a premature translational stop signal (p.Gln907*) in the MYH7 gene. It is expected to result in an absent or disrupted protein product. However, the current clinical and genetic evidence is not sufficient to establish whether loss-of-function variants in MYH7 cause disease. This variant is not present in population databases (gnomAD no frequency). This variant has not been reported in the literature in individuals affected with MYH7-related conditions. ClinVar contains an entry for this variant (Variation ID: 1795145). In summary, the available evidence is currently insufficient to determine the role of this variant in disease. Therefore, it has been classified as a Variant of Uncertain Significance.

Ambry Genetics
Classification: Uncertain significance for Cardiovascular phenotype. Last evaluated: 2019-07-12. Review status: criteria provided, single submitter. Criteria: Ambry Variant Classification Scheme 2023. Collection method: clinical testing. Allele origin: germline.
Comment: The p.Q907* variant (also known as c.2719C>T), located in coding exon 21 of the MYH7 gene, results from a C to T substitution at nucleotide position 2719. This changes the amino acid from a glutamine to a stop codon within coding exon 21. This alteration is expected to result in loss of function by premature protein truncation or nonsense-mediated mRNA decay. However, loss of function of MYH7 has not been clearly established as a mechanism of disease. Since supporting evidence is limited at this time, the clinical significance of this alteration remains unclear.